The following is an entry in ClinVar:

NM_001042492.3(NF1):c.1691_1692del (p.Asp564fs)

Gene: NF1 (neurofibromin 1; plus strand). Cytogenetic location: 17q11.2.
Variant type: Deletion.
Coding change: c.1691_1692del on transcript NM_001042492.3 (MANE Select); coding-DNA positions 1691 to 1692, 2 bases deleted (AT; older notation c.1691_1692delAT).
Protein change: p.Asp564fs; shifts the reading frame from aspartic acid 564.
Molecular consequence: frameshift variant.
Genome position (GRCh38, 1-based): chr17:31,221,899-31,221,900, AT deleted. VCF-style (leftmost placement, unchanged base first): chr17-31221898-GAT-G. GRCh37 (hg19) VCF-style: chr17-29548916-GAT-G.
Other names: c.1691_1692delAT, p.Asp564Glyfs (NM_000267.4); c.1691_1692del, p.Asp564fs (NM_001128147.3); short protein forms D564fs.
Identifiers: ClinVar variation 951619 (VCV000951619.6), dbSNP rs2066928784, ClinGen allele CA1139665410.

ClinVar aggregate classification (germline): Pathogenic (1 of 4 stars; one submission).

Conditions:
Neurofibromatosis, type 1 (NF1). Also called: VON RECKLINGHAUSEN DISEASE; NEUROFIBROMATOSIS, TYPE I, SOMATIC; Peripheral type neurofibromatosis; Neurofibromatosis, type I. Identifiers: Orphanet 636, MedGen C0027831, MONDO:0018975, OMIM 162200. Disease mechanism: loss of function.

Submission:

Labcorp Genetics (formerly Invitae), Labcorp
Classification: Pathogenic for Neurofibromatosis, type 1. Last evaluated: 2019-06-06. Review status: criteria provided, single submitter. Criteria: Invitae Variant Classification Sherloc (09022015). Collection method: clinical testing. Allele origin: germline.
Comment: For these reasons, this variant has been classified as Pathogenic. Loss-of-function variants in NF1 are known to be pathogenic (PMID: 10712197, 23913538). This variant has not been reported in the literature in individuals with NF1-related conditions. This variant is not present in population databases (ExAC no frequency). This sequence change creates a premature translational stop signal (p.Asp564Glyfs*10) in the NF1 gene. It is expected to result in an absent or disrupted protein product.

Literature cited by the submitters: PubMed 10712197; PubMed 23913538.